The following is an entry in ClinVar:

NM_000059.4(BRCA2):c.7987G>T (p.Glu2663Ter)

Gene: BRCA2 (BRCA2 DNA repair associated; plus strand). Cytogenetic location: 13q13.1.
Variant type: single nucleotide variant.
Coding change: c.7987G>T on transcript NM_000059.4 (MANE Select); coding-DNA position 7987, G replaced by T.
Protein change: p.Glu2663Ter; replaces glutamic acid 2663 with a stop codon.
Molecular consequence: nonsense.
Genome position (GRCh38, 1-based): chr13:32,363,189, G>T. VCF-style: chr13-32363189-G-T. GRCh37 (hg19) VCF-style: chr13-32937326-G-T.
Other names: short protein forms E2663*.
Identifiers: ClinVar variation 254616 (VCV000254616.2), dbSNP rs80359030, ClinGen allele CA10586584.
Genomic context (GRCh38, chr13:32,363,189, plus strand): 5'-AATTCTAGAGTCACACTTCCTAAAATATGCATTTTTGTTTTCACTTTTAGATATGATACG[G>T]AAATTGATAGAAGCAGAAGATCGGCTATAAAAAAGATAATGGAAAGGGATGACACAGCTG-3'

ClinVar aggregate classification (germline): Pathogenic (3 of 4 stars; one submission).

Conditions:
Breast-ovarian cancer, familial, susceptibility to, 2 (BROVCA2). Also called: BRCA2 Hereditary Breast and Ovarian Cancer. Identifiers: Orphanet 145, MedGen C2675520, MONDO:0012933, OMIM 612555. Disease mechanism: loss of function.

Submission:

Evidence-based Network for the Interpretation of Germline Mutant Alleles (ENIGMA)
Classification: Pathogenic for Breast-ovarian cancer, familial, susceptibility to, 2. Last evaluated: 2016-09-08. Review status: reviewed by expert panel. Criteria: ENIGMA BRCA1/2 Classification Criteria (2015). Collection method: curation. Allele origin: germline.
Comment: Variant allele predicted to encode a truncated non-functional protein.